The following is an entry in ClinVar:

NM_000785.4(CYP27B1):c.-8_4dup (p.Met1_Thr2insAsnGlnThrMet)

Gene: CYP27B1 (cytochrome P450 family 27 subfamily B member 1; minus strand). Cytogenetic location: 12q14.1.
Variant type: Duplication.
Coding change: c.-8_4dup on transcript NM_000785.4 (MANE Select); 8 bases upstream of the start codon through coding-DNA position 4, 12 bases duplicated (ACCAGACCATGA).
Protein change: p.Met1_Thr2insAsnGlnThrMet.
Molecular consequence: inframe insertion, initiator codon variant.
Genome position (GRCh38, 1-based): chr12:57,767,038-57,767,049, TCATGGTCTGGT duplicated on the plus strand (ACCAGACCATGA on the coding strand, the reverse complement: CYP27B1 is on the minus strand); duplicating any 12 consecutive bases within chr12:57,767,038-57,767,052 gives the same sequence; the c. name uses the placement nearest the transcript's 3' end. VCF-style (leftmost placement, unchanged base first): chr12-57767037-G-GTCATGGTCTGGT. GRCh37 (hg19) VCF-style: chr12-58160820-G-GTCATGGTCTGGT.
Identifiers: ClinVar variation 938705 (VCV000938705.9), dbSNP rs755845434, ClinGen allele CA6658570.

ClinVar aggregate classification (germline): Uncertain significance. Review status: criteria provided, multiple submitters, no conflicts (2 of 4 stars). 2 submissions from 2 submitters: Uncertain significance (2). Last evaluated 2026-01-06.

Conditions:
Vitamin D-dependent rickets, type 1A. Also called: PDDR IA; PSEUDOVITAMIN D-DEFICIENCY RICKETS, TYPE IA; VITAMIN D HYDROXYLATION-DEFICIENT RICKETS, TYPE 1A. Identifiers: MedGen CN283242, MONDO:0020723, OMIM 264700.

Submissions (2):

Labcorp Genetics (formerly Invitae), Labcorp
Classification: Uncertain significance. Last evaluated: 2026-01-06. Review status: criteria provided, single submitter. Criteria: Invitae Variant Classification Sherloc (09022015). Collection method: clinical testing. Allele origin: germline.
Comment: This variant occurs in a non-coding region of the CYP27B1 gene. It does not change the encoded amino acid sequence of the CYP27B1 protein. This variant is present in population databases (rs755845434, gnomAD 0.003%). This variant has not been reported in the literature in individuals affected with CYP27B1-related conditions. This variant is also known as p.Met1_Thr2insAsnGlnThrMet. ClinVar contains an entry for this variant (Variation ID: 938705). Experimental studies and prediction algorithms are not available or were not evaluated, and the functional significance of this variant is currently unknown. In summary, the available evidence is currently insufficient to determine the role of this variant in disease. Therefore, it has been classified as a Variant of Uncertain Significance.

Fulgent Genetics
Classification: Uncertain significance for Vitamin D-dependent rickets, type 1A. Last evaluated: 2024-06-17. Review status: criteria provided, single submitter. Criteria: ACMG Guidelines, 2015. Collection method: clinical testing. Allele origin: germline.